The following is an entry in ClinVar:

NM_001351169.2(NT5C2):c.1456C>A (p.His486Asn)

Genes: CNNM2 (cyclin and CBS domain divalent metal cation transport mediator 2; plus strand), NT5C2 (5'-nucleotidase, cytosolic II; minus strand). Cytogenetic location: 10q24.32.
Variant type: single nucleotide variant.
Coding change: c.1456C>A on transcript NM_001351169.2 (MANE Select); coding-DNA position 1456, C replaced by A.
Protein change: p.His486Asn; replaces histidine 486 with asparagine.
Molecular consequence: missense variant. On other transcripts: 3 prime UTR variant (2).
Genome position (GRCh38, 1-based): chr10:103,089,902, G>T on the plus strand (C>A on the coding strand, the complement: NT5C2 is on the minus strand). VCF-style: chr10-103089902-G-T. GRCh37 (hg19) VCF-style: chr10-104849659-G-T.
Other names: c.1456C>A, p.His486Asn (NM_001134373.3, NM_012229.5); c.1480C>A, p.His494Asn (NM_001351170.2, NM_001351171.2, NM_001351172.2 and 1 more transcripts); c.883C>A, p.His295Asn (NM_001351178.2, NM_001351179.2, NM_001351180.2 and 16 more transcripts); c.*12722G>T (NM_017649.5, NM_199076.3); c.1369C>A, p.His457Asn (NM_001351174.1); c.1363C>A, p.His455Asn (NM_001351175.2); c.742C>A, p.His248Asn (NM_001351194.2, NM_001351195.2, NM_001351196.2); short protein forms H248N, H295N, H455N, H457N, H486N, H494N.
Identifiers: ClinVar variation 4531311 (VCV004531311.1).
Genomic context (GRCh38, chr10:103,089,902, plus strand): 5'-TGGCAAGAGGAGACTCCATCTCATTGATATCTACGTGTGTGTGCTCCACCGTTGATTCAT[G>T]AGGCATCTAGACAGAAAAAAGCTAGAGGCTCAGAAAGCAGGCAGAGCAAAGTAGCTACTC-3'
Protein context (NP_001338098.1, residues 476-496): LFRAAHVLMP[His486Asn]ESTVEHTHVD

ClinVar aggregate classification (germline): Likely pathogenic (1 of 4 stars; one submission).

Conditions:
Hereditary spastic paraplegia 45. Also called: Spastic paraplegia 45, autosomal recessive; SPASTIC PARAPLEGIA 45. Identifiers: Orphanet 320396, MedGen C3888209, MONDO:0013165, OMIM 613162.

gnomAD v4.1: 5 of 1,598,172 alleles (0.00031%); highest among the groups gnomAD compares: African/African-American, 0.0013%; no homozygotes.

Submission:

Victorian Clinical Genetics Services, Murdoch Childrens Research Institute
Classification: Likely pathogenic for Hereditary spastic paraplegia 45. Last evaluated: 2025-02-13. Review status: criteria provided, single submitter. Criteria: ACMG Guidelines, 2015. Collection method: clinical testing. Allele origin: germline. Affected: yes.
Comment: This variant is classified as Likely pathogenic. Evidence in support of pathogenic classification: Variant is present in gnomAD <0.01 for a recessive condition (v4: 5 heterozygote(s), 0 homozygote(s)); Heterozygous variant detected in trans with a PATHOGENIC heterozygous variant (NM_001351169.2(NT5C2):c.115C>T; p.(Arg39*)) in a recessive disease. Additional information: Variant is predicted to result in a missense amino acid change from histidine to asparagine; This variant is heterozygous; This gene is associated with autosomal recessive disease; Alternative amino acid change(s) at the same position are present in gnomAD (Highest alelle count: v4: 2 heterozygote(s), 0 homozygote(s)); This variant has no previous evidence of pathogenicity; No published segregation evidence has been identified for this variant; No published functional evidence has been identified for this variant; No comparable missense variants have previous evidence for pathogenicity; Variant is located in the annotated 5' nucleotidase domain (DECIPHER); Missense variant with very high conservation and a moderate Grantham score difference; Loss of function is a known mechanism of disease in this gene and is associated with spastic paraplegia 45, autosomal recessive (MIM#613162).